The following is an entry in ClinVar:

NM_016107.5(ZFR):c.121G>A (p.Ala41Thr)

Gene: ZFR (zinc finger RNA binding protein; minus strand). Cytogenetic location: 5p13.3.
Variant type: single nucleotide variant.
Coding change: c.121G>A on transcript NM_016107.5 (MANE Select); coding-DNA position 121, G replaced by A.
Protein change: p.Ala41Thr; replaces alanine 41 with threonine.
Molecular consequence: missense variant. On other transcripts: non-coding transcript variant (1).
Genome position (GRCh38, 1-based): chr5:32,444,245, C>T on the plus strand (G>A on the coding strand, the complement: ZFR is on the minus strand). VCF-style: chr5-32444245-C-T. GRCh37 (hg19) VCF-style: chr5-32444351-C-T.
Other names: short protein forms A41T.
Identifiers: ClinVar variation 2009214 (VCV002009214.4), dbSNP rs2111888548, ClinGen allele CA359363701.
Genomic context (GRCh38, chr5:32,444,245, plus strand): 5'-GGGGAGAGCAAGGGGCGAACAGAGAGAAGGCAGGATGCCGTTACCTATATTGGGCCGCAG[C>T]CGCCGCCGCCGCCGCCCCGCTGTGGGTGAATCCAAAGTAGTTGCCGGTCGCCATTTTGGC-3'
Protein context (NP_057191.2, residues 31-51): FTHSGAAAAA[Ala41Thr]AAQYSQQPAS

ClinVar aggregate classification (germline): Uncertain significance (1 of 4 stars; one submission).

Conditions:
Pure or complex autosomal recessive spastic paraplegia. Identifiers: Orphanet 320346, MedGen C5679887, MONDO:0017915.

Submission:

Labcorp Genetics (formerly Invitae), Labcorp
Classification: Uncertain significance for Pure or complex autosomal recessive spastic paraplegia. Last evaluated: 2022-06-22. Review status: criteria provided, single submitter. Criteria: Invitae Variant Classification Sherloc (09022015). Collection method: clinical testing. Allele origin: germline.
Comment: This variant has not been reported in the literature in individuals affected with ZFR-related conditions. This sequence change replaces alanine, which is neutral and non-polar, with threonine, which is neutral and polar, at codon 41 of the ZFR protein (p.Ala41Thr). This variant is not present in population databases (gnomAD no frequency). Algorithms developed to predict the effect of missense changes on protein structure and function are either unavailable or do not agree on the potential impact of this missense change (SIFT: "Deleterious"; PolyPhen-2: "Possibly Damaging"; Align-GVGD: "Class C0"). In summary, the available evidence is currently insufficient to determine the role of this variant in disease. Therefore, it has been classified as a Variant of Uncertain Significance.